The following is an entry in ClinVar:

NM_004463.3(FGD1):c.1637-10A>G

Gene: FGD1 (FYVE, RhoGEF and PH domain containing 1; minus strand). Cytogenetic location: Xp11.22.
Variant type: single nucleotide variant.
Coding change: c.1637-10A>G on transcript NM_004463.3 (MANE Select); 10 bases into the intron before coding-DNA position 1637, A replaced by G.
Molecular consequence: intron variant.
Genome position (GRCh38, 1-based): chrX:54,456,577, T>C on the plus strand (A>G on the coding strand, the complement: FGD1 is on the minus strand). VCF-style: chrX-54456577-T-C. GRCh37 (hg19) VCF-style: chrX-54483010-T-C.
Identifiers: ClinVar variation 3571921 (VCV003571921.3).

ClinVar aggregate classification (germline): Conflicting classifications of pathogenicity. Review status: criteria provided, conflicting classifications (1 of 4 stars). 2 submissions from 2 submitters: Uncertain significance (1); Likely benign (1). Last evaluated 2024-12-12.

Submissions (2):

Labcorp Genetics (formerly Invitae), Labcorp
Classification: Likely benign. Last evaluated: 2024-12-12. Review status: criteria provided, single submitter. Criteria: Invitae Variant Classification Sherloc (09022015). Collection method: clinical testing. Allele origin: germline.

Athena Diagnostics
Classification: Uncertain significance. Last evaluated: 2024-01-15. Review status: criteria provided, single submitter. Criteria: Athena Diagnostics Criteria. Collection method: clinical testing. Allele origin: unknown.
Comment: Available data are insufficient to determine the clinical significance of the variant at this time. The frequency of this variant in the general population is uninformative in assessment of its pathogenicity. Computational tools yielded predictions that this variant is unlikely to have an effect on normal RNA splicing.